The following is an entry in ClinVar:

ClinVar aggregate classification (germline): Uncertain significance. Review status: criteria provided, multiple submitters, no conflicts (2 of 4 stars). 3 submissions from 3 submitters: Uncertain significance (3). Last evaluated 2026-03-20.

Conditions:
Arrhythmogenic cardiomyopathy with wooly hair and keratoderma. Also called: PALMOPLANTAR KERATODERMA WITH LEFT VENTRICULAR CARDIOMYOPATHY AND WOOLLY HAIR; Carvajal syndrome; Dilated cardiomyopathy with woolly hair and keratoderma; Arrhythmogenic cardiomyopathy with woolly hair and keratoderma. Identifiers: Orphanet 65282, MedGen C1854063, MONDO:0011581, OMIM 605676.
Arrhythmogenic right ventricular dysplasia 8 (ARVD8). Also called: Arrhythmogenic Right Ventricular Dysplasia/Cardiomyopathy 8; ARRHYTHMOGENIC RIGHT VENTRICULAR DYSPLASIA, FAMILIAL, 8; ARRHYTHMOGENIC RIGHT VENTRICULAR CARDIOMYOPATHY 8. Identifiers: MedGen C1843896, MONDO:0011831, OMIM 607450.
Cardiovascular phenotype. Identifiers: MedGen CN230736.

gnomAD v4.1: 7 of 1,613,338 alleles (0.00043%); highest among the groups gnomAD compares: Non-Finnish European, 0.00051%; no homozygotes.

Submissions (3):

Women's Health and Genetics/Laboratory Corporation of America, LabCorp
Classification: Uncertain significance. Last evaluated: 2026-03-20. Review status: criteria provided, single submitter. Criteria: LabCorp Variant Classification Summary - May 2015. Collection method: clinical testing. Allele origin: germline.
Comment: Variant summary: DSP c.728G>A (p.Arg243His) results in a non-conservative amino acid change in the encoded protein sequence. Algorithms developed to predict the effect of missense changes on protein structure and function all suggest that this variant is likely to be disruptive. Consensus agreement among computation tools predict no significant impact on normal splicing. However, these predictions have yet to be confirmed by functional studies. The variant allele was found at a frequency of 8e-06 in 251412 control chromosomes. The available data on variant occurrences in the general population are insufficient to allow any conclusion about variant significance. To our knowledge, no occurrence of c.728G>A in individuals affected with DSP-related conditions and no experimental evidence demonstrating its impact on protein function have been reported. ClinVar contains an entry for this variant (Variation ID: 3842707). Based on the evidence outlined above, the variant was classified as uncertain significance.

Labcorp Genetics (formerly Invitae), Labcorp
Classification: Uncertain significance for Arrhythmogenic cardiomyopathy with wooly hair and keratoderma; Arrhythmogenic right ventricular dysplasia 8. Last evaluated: 2026-01-25. Review status: criteria provided, single submitter. Criteria: Invitae Variant Classification Sherloc (09022015). Collection method: clinical testing. Allele origin: germline.
Comment: This sequence change replaces arginine, which is basic and polar, with histidine, which is basic and polar, at codon 243 of the DSP protein (p.Arg243His). This variant is present in population databases (rs760502491, gnomAD 0.003%). This variant has not been reported in the literature in individuals affected with DSP-related conditions. ClinVar contains an entry for this variant (Variation ID: 3842707). An algorithm developed to predict the effect of missense changes on protein structure and function (PolyPhen-2) suggests that this variant is likely to be disruptive. In summary, the available evidence is currently insufficient to determine the role of this variant in disease. Therefore, it has been classified as a Variant of Uncertain Significance.

Ambry Genetics
Classification: Uncertain significance for Cardiovascular phenotype. Last evaluated: 2025-02-22. Review status: criteria provided, single submitter. Criteria: Ambry Variant Classification Scheme 2023. Collection method: clinical testing. Allele origin: germline.

NM_004415.4(DSP):c.728G>A (p.Arg243His)

Gene: DSP (desmoplakin; plus strand). Cytogenetic location: 6p24.3.
Variant type: single nucleotide variant.
Coding change: c.728G>A on transcript NM_004415.4 (MANE Select); coding-DNA position 728, G replaced by A.
Protein change: p.Arg243His; replaces arginine 243 with histidine.
Molecular consequence: missense variant.
Genome position (GRCh38, 1-based): chr6:7,563,737, G>A. VCF-style: chr6-7563737-G-A. GRCh37 (hg19) VCF-style: chr6-7563970-G-A.
Other names: c.728G>A, p.Arg243His (NM_001008844.3, NM_001319034.2, NM_001406591.1); short protein forms R243H.
Identifiers: ClinVar variation 3842707 (VCV003842707.3).